The following is an entry in ClinVar:

ClinVar aggregate classification (germline): Uncertain significance. Review status: criteria provided, multiple submitters, no conflicts (2 of 4 stars). 2 submissions from 2 submitters: Uncertain significance (2). Last evaluated 2025-11-26.

Conditions:
Pancreatic adenocarcinoma. Identifiers: MedGen C0281361, MONDO:0006047, HP:0006725.

Allele frequency attached by ClinVar (database versions not stated): gnomAD exomes 0.00001; gnomAD 0.00001; TOPMed below 0.00001.
gnomAD v4.1: 4 of 1,522,396 alleles (0.00026%); highest among the groups gnomAD compares: Non-Finnish European, 0.00035%; no homozygotes.

Submissions (2):

Ambry Genetics
Classification: Uncertain significance. Last evaluated: 2025-11-26. Review status: criteria provided, single submitter. Criteria: Ambry Variant Classification Scheme 2023. Collection method: clinical testing. Allele origin: germline.

Labcorp Genetics (formerly Invitae), Labcorp
Classification: Uncertain significance for Pancreatic adenocarcinoma. Last evaluated: 2022-07-29. Review status: criteria provided, single submitter. Criteria: Invitae Variant Classification Sherloc (09022015). Collection method: clinical testing. Allele origin: germline.
Comment: This sequence change replaces proline, which is neutral and non-polar, with alanine, which is neutral and non-polar, at codon 118 of the PALLD protein (p.Pro118Ala). This variant is not present in population databases (gnomAD no frequency). This variant has not been reported in the literature in individuals affected with PALLD-related conditions. Algorithms developed to predict the effect of missense changes on protein structure and function (SIFT, PolyPhen-2, Align-GVGD) all suggest that this variant is likely to be tolerated. In summary, the available evidence is currently insufficient to determine the role of this variant in disease. Therefore, it has been classified as a Variant of Uncertain Significance.

NM_001166108.2(PALLD):c.1965-12679C>G

Gene: PALLD (palladin, cytoskeletal associated protein; plus strand). Cytogenetic location: 4q32.3.
Variant type: single nucleotide variant.
Coding change: c.1965-12679C>G on transcript NM_001166108.2 (MANE Select); 12679 bases into the intron before coding-DNA position 1965, C replaced by G.
Molecular consequence: intron variant. On other transcripts: missense variant (1).
Genome position (GRCh38, 1-based): chr4:168,878,243, C>G. VCF-style: chr4-168878243-C-G. GRCh37 (hg19) VCF-style: chr4-169799394-C-G.
Other names: c.352C>G (NM_001166110.1); c.352C>G, p.Pro118Ala (NM_001166110.2); c.1965-12679C>G (NM_016081.4); c.819-12679C>G (NM_001166109.2); c.-157-12679C>G (NM_001367570.1, NM_001367568.1, NM_001367567.1 and 1 more transcripts); short protein forms P118A.
Identifiers: ClinVar variation 2059822 (VCV002059822.6), dbSNP rs1752085380, ClinGen allele CA358796430.